The following is an entry in ClinVar:

ClinVar aggregate classification (germline): Uncertain significance. Review status: criteria provided, multiple submitters, no conflicts (2 of 4 stars). 2 submissions from 2 submitters: Uncertain significance (2). Last evaluated 2025-06-10.

Conditions:
Familial thoracic aortic aneurysm and aortic dissection (TAAD). Also called: Thoracic aortic aneurysms and dissections. Identifiers: Orphanet 91387, MedGen C4707243, MONDO:0019625.
Aortic aneurysm, familial thoracic 6 (AAT6). Also called: FAMILIAL THORACIC AORTIC ANEURYSM WITH LIVEDO RETICULARIS AND IRIS FLOCCULI. Identifiers: MedGen C2673186, MONDO:0012730, OMIM 611788.

Submissions (2):

Color Diagnostics, LLC DBA Color Health
Classification: Uncertain significance for Familial thoracic aortic aneurysm and aortic dissection. Last evaluated: 2025-06-10. Review status: criteria provided, single submitter. Criteria: ACMG Guidelines, 2015. Collection method: clinical testing. Allele origin: germline.
Comment: This variant deletes 2 nucleotides in exon 7 of the ACTA2 gene, creating a frameshift and premature translation stop signal. This variant is expected to result in an absent or non-functional protein product. To our knowledge, this variant has not been reported in individuals affected with ACTA2-related disorders in the literature. This variant has not been identified in the general population by the Genome Aggregation Database (gnomAD). Clinical relevance of loss-of-function ACTA2 truncation variants in autosomal dominant cardiovascular disorders is not clearly established. The available evidence is insufficient to determine the role of this variant in disease conclusively. Therefore, this variant is classified as a Variant of Uncertain Significance.

Labcorp Genetics (formerly Invitae), Labcorp
Classification: Uncertain significance for Aortic aneurysm, familial thoracic 6. Last evaluated: 2025-04-22. Review status: criteria provided, single submitter. Criteria: Invitae Variant Classification Sherloc (09022015). Collection method: clinical testing. Allele origin: germline.
Comment: This sequence change creates a premature translational stop signal (p.Cys219Leufs*7) in the ACTA2 gene. It is expected to result in an absent or disrupted protein product. However, the current clinical and genetic evidence is not sufficient to establish whether loss-of-function variants in ACTA2 cause disease. This variant is not present in population databases (gnomAD no frequency). This variant has not been reported in the literature in individuals affected with ACTA2-related conditions. In summary, the available evidence is currently insufficient to determine the role of this variant in disease. Therefore, it has been classified as a Variant of Uncertain Significance.

NM_001613.4(ACTA2):c.656_657del (p.Cys219fs)

Genes: ACTA2 (actin alpha 2, smooth muscle; minus strand), ACTA2-AS1 (ACTA2 antisense RNA 1; plus strand). Cytogenetic location: 10q23.31.
Variant type: Microsatellite.
Coding change: c.656_657del on transcript NM_001613.4 (MANE Select); coding-DNA positions 656 to 657, 2 bases deleted (GT; older notation c.656_657delGT).
Protein change: p.Cys219fs; shifts the reading frame from cysteine 219.
Molecular consequence: frameshift variant. On other transcripts: non-coding transcript variant (1).
Genome position (GRCh38, 1-based): chr10:88,939,658-88,939,659, AC deleted on the plus strand (GT on the coding strand, the reverse complement: ACTA2 is on the minus strand); deleting any 2 consecutive bases within chr10:88,939,658-88,939,662 gives the same sequence; the c. name uses the placement nearest the transcript's 3' end. VCF-style (leftmost placement, unchanged base first): chr10-88939657-AAC-A. GRCh37 (hg19) VCF-style: chr10-90699414-AAC-A.
Other names: c.653_654TG[1], p.Cys219Leufs (NM_001141945.3, NM_001320855.2, NM_001406462.1 and 2 more transcripts); c.542_543TG[1], p.Cys182Leufs (NM_001406466.1); c.524_525TG[1], p.Cys176Leufs (NM_001406467.1, NM_001406468.1, NM_001406469.1); short protein forms C219fs.
Identifiers: ClinVar variation 999316 (VCV000999316.9), dbSNP rs1845812292, ClinGen allele CA1926601828.
Genomic context (GRCh38, chr10:88,939,657, plus strand): 5'-TCTCAAGGGAGGATGAGGATGCGGCAGTGGCCATCTCATTTTCAAAGTCCAGAGCTACAT[AAC>A]ACAGTTTCTCCTTGATGTCCCGGACAATCTCACGCTCAGCTGTCAACCAGATACAAACAT-3'